The following is an entry in ClinVar:

NM_000312.4(PROC):c.237+15G>A

Gene: PROC (protein C, inactivator of coagulation factors Va and VIIIa; plus strand). Cytogenetic location: 2q14.3.
Variant type: single nucleotide variant.
Coding change: c.237+15G>A on transcript NM_000312.4 (MANE Select); 15 bases into the intron after coding-DNA position 237, G replaced by A.
Molecular consequence: intron variant.
Genome position (GRCh38, 1-based): chr2:127,421,464, G>A. VCF-style: chr2-127421464-G-A. GRCh37 (hg19) VCF-style: chr2-128179040-G-A.
Other names: c.237+15G>A (NM_000312.3, NM_001375611.1, NM_001375605.1 and 2 more transcripts); c.420+15G>A (NM_001375602.1); c.321+15G>A (NM_001375607.1); c.231+15G>A (NM_001375610.1); c.300+15G>A (NM_001375606.1, NM_001375603.1, NM_001375604.1); c.213+15G>A (NM_001375609.1).
Identifiers: ClinVar variation 2955006 (VCV002955006.5), dbSNP rs528055589, ClinGen allele CA1859259.

ClinVar aggregate classification (germline): Likely benign. Review status: criteria provided, single submitter (1 of 4 stars). 2 submissions from 2 submitters: Likely benign (1). 1 of the submissions does not count toward it. Last evaluated 2024-05-29.

Conditions:
Thrombophilia due to protein C deficiency, autosomal dominant. Also called: PROC DEFICIENCY, AUTOSOMAL DOMINANT; PROTEIN C DEFICIENCY, AUTOSOMAL DOMINANT. Identifiers: Orphanet 745, MedGen C2674321, MONDO:0008316, OMIM 176860. Disease mechanism: loss of function.
PROC-related disorder. Also called: PROC-related condition.

Allele frequency attached by ClinVar (database versions not stated): gnomAD exomes 0.00001; ExAC 0.00003; gnomAD 0.00003.
gnomAD v4.1: 22 of 1,613,670 alleles (0.0014%); highest among the groups gnomAD compares: Middle Eastern, 0.033%; no homozygotes.

Submissions (2):

Labcorp Genetics (formerly Invitae), Labcorp
Classification: Likely benign for Thrombophilia due to protein C deficiency, autosomal dominant. Last evaluated: 2024-05-29. Review status: criteria provided, single submitter. Criteria: Invitae Variant Classification Sherloc (09022015). Collection method: clinical testing. Allele origin: germline.

PreventionGenetics, part of Exact Sciences
Classification: Likely benign for PROC-related condition. Last evaluated: 2021-06-09. Review status: no assertion criteria provided. Collection method: clinical testing. Allele origin: germline. Not counted in ClinVar's aggregate classification.
Comment: This variant is classified as likely benign based on ACMG/AMP sequence variant interpretation guidelines (Richards et al. 2015 PMID: 25741868, with internal and published modifications).